The following is an entry in ClinVar:

ClinVar aggregate classification (germline): Benign/Likely benign. Review status: criteria provided, multiple submitters, no conflicts (2 of 4 stars). 3 submissions from 3 submitters: Benign (1); Likely benign (2). Last evaluated 2026-06-24.

Conditions:
Hereditary cancer-predisposing syndrome. Also called: Neoplastic Syndromes, Hereditary; Tumor predisposition; Hereditary Cancer Syndrome; Hereditary neoplastic syndrome. Identifiers: Orphanet 140162, MedGen C0027672, MeSH D009386, MONDO:0015356.
Retinoblastoma (RB1). Also called: RETINOBLASTOMA, SOMATIC. Identifiers: Orphanet 790, MedGen C0035335, MeSH D012175, MONDO:0008380, OMIM 180200, HP:0009919. Disease mechanism: loss of function. Inheritance: Both sporadic and heritable forms are tested..

gnomAD v4.1: 7 of 1,612,472 alleles (0.00043%); highest among the groups gnomAD compares: South Asian, 0.0066%; no homozygotes.

Submissions (3):

Myriad Genetics, Inc.
Classification: Benign for Retinoblastoma. Last evaluated: 2026-06-24. Review status: criteria provided, single submitter. Criteria: Myriad Autosomal Dominant, Autosomal Recessive and X-Linked Classification Criteria (2023). Collection method: clinical testing. Allele origin: unknown.
Comment: This variant is considered benign. This variant is a silent/synonymous amino acid change and it is not expected to impact splicing.

Labcorp Genetics (formerly Invitae), Labcorp
Classification: Likely benign for Retinoblastoma. Last evaluated: 2025-09-07. Review status: criteria provided, single submitter. Criteria: Invitae Variant Classification Sherloc (09022015). Collection method: clinical testing. Allele origin: germline.

Ambry Genetics
Classification: Likely benign for Hereditary cancer-predisposing syndrome. Last evaluated: 2024-05-24. Review status: criteria provided, single submitter. Criteria: Ambry Variant Classification Scheme 2023. Collection method: clinical testing. Allele origin: germline.

NM_000321.3(RB1):c.666C>A (p.Val222=)

Gene: RB1 (RB transcriptional corepressor 1; plus strand). Cytogenetic location: 13q14.2.
Variant type: single nucleotide variant.
Coding change: c.666C>A on transcript NM_000321.3 (MANE Select); coding-DNA position 666, C replaced by A.
Protein change: p.Val222=; no amino-acid change (valine 222 retained).
Molecular consequence: synonymous variant.
Genome position (GRCh38, 1-based): chr13:48,360,075, C>A. VCF-style: chr13-48360075-C-A. GRCh37 (hg19) VCF-style: chr13-48934211-C-A.
Other names: c.666C>A, p.Val222= (NM_001407165.1, NM_001407166.1).
Identifiers: ClinVar variation 3313062 (VCV003313062.3).
Genomic context (GRCh38, chr13:48,360,075, plus strand): 5'-AGGGGAAGTATTACAAATGGAAGATGATCTGGTGATTTCATTTCAGTTAATGCTATGTGT[C>A]CTTGACTATTTTATTAAACTCTCACCTCCCATGTTGCTCAAAGAACCATATAGTAAGTAT-3'
Protein context (NP_000312.2, residues 212-232): LVISFQLMLC[Val222=]LDYFIKLSPP